The following is an entry in ClinVar:

ClinVar aggregate classification (germline): Pathogenic (1 of 4 stars; one submission).

Submission:

Labcorp Genetics (formerly Invitae), Labcorp
Classification: Pathogenic. Last evaluated: 2022-02-23. Review status: criteria provided, single submitter. Criteria: Invitae Variant Classification Sherloc (09022015). Collection method: clinical testing. Allele origin: germline.
Comment: This sequence change creates a premature translational stop signal (p.Glu1198Aspfs*8) in the ABCA4 gene. It is expected to result in an absent or disrupted protein product. Loss-of-function variants in ABCA4 are known to be pathogenic (PMID: 10958761, 24938718, 25312043, 26780318). This variant is not present in population databases (gnomAD no frequency). This variant has not been reported in the literature in individuals affected with ABCA4-related conditions. For these reasons, this variant has been classified as Pathogenic.

Literature cited by the submitters: PubMed 10958761; PubMed 24938718; PubMed 25312043; PubMed 26780318.

NM_000350.3(ABCA4):c.3594del (p.Glu1198fs)

Gene: ABCA4 (ATP binding cassette subfamily A member 4; minus strand). Cytogenetic location: 1p22.1.
Variant type: Deletion.
Coding change: c.3594del on transcript NM_000350.3 (MANE Select); coding-DNA position 3594, one base deleted (A; older notation c.3594delA).
Protein change: p.Glu1198fs; shifts the reading frame from glutamic acid 1198.
Molecular consequence: frameshift variant.
Genome position (GRCh38, 1-based): chr1:94,040,056, T deleted on the plus strand (A on the coding strand, the reverse complement: ABCA4 is on the minus strand); the first of 2 consecutive T bases (chr1:94,040,056-94,040,057); deleting either gives the same sequence. VCF-style (leftmost placement, unchanged base first): chr1-94040055-GT-G. GRCh37 (hg19) VCF-style: chr1-94505611-GT-G.
Other names: c.3371delA, p.Glu1124Aspfs (NM_001425324.1); short protein forms E1198fs.
Identifiers: ClinVar variation 2102317 (VCV002102317.4), dbSNP rs1396816886, ClinGen allele CA740498982.